The following is an entry in ClinVar:

ClinVar aggregate classification (germline): Likely pathogenic (1 of 4 stars; one submission).

Conditions:
alpha Thalassemia. Also called: Alpha thalassemia spectrum. Identifiers: Orphanet 846, MedGen C0002312, MONDO:0011399, OMIM 604131.

Submission:

Natera, Inc.
Classification: Likely pathogenic for Alpha thalassemia. Last evaluated: 2025-04-21. Review status: criteria provided, single submitter. Criteria: Natera Variant Classification Schema (03/2026). Collection method: clinical testing. Allele origin: germline.
Comment: The c.359delC variant in HBA1 is a frameshift variant predicted to shift the reading frame beginning at codon 120 and leads to a stop codon 14 codons downstream. This variant is expected to result in nonsense mediated decay, truncation, or a dysfunctional protein product. This variant is rare in the general population with a frequency below the threshold expected for the associated phenotype(s). Given the available evidence, this variant is classified as Likely Pathogenic.

NM_000558.5(HBA1):c.359del (p.Pro120fs)

Genes: HBA1 (hemoglobin subunit alpha 1; plus strand), LOC106804613 (hemoglobin subunit alpha 1 recombination region; plus strand). Cytogenetic location: 16p13.3.
Variant type: Deletion.
Coding change: c.359del on transcript NM_000558.5 (MANE Select); coding-DNA position 359, one base deleted (C; older notation c.359delC).
Protein change: p.Pro120fs; shifts the reading frame from proline 120.
Molecular consequence: frameshift variant.
Genome position (GRCh38, 1-based): chr16:177,341, C deleted; the last of 4 consecutive C bases (chr16:177,338-177,341); deleting any one gives the same sequence. VCF-style (leftmost placement, unchanged base first): chr16-177337-AC-A. GRCh37 (hg19) VCF-style: chr16-227336-AC-A.
Other names: short protein forms P120fs.
Identifiers: ClinVar variation 4814405 (VCV004814405.1).